The following is an entry in ClinVar:

NM_203447.4(DOCK8):c.2010dup (p.Leu671fs)

Gene: DOCK8 (dedicator of cytokinesis 8; plus strand). Cytogenetic location: 9p24.3.
Variant type: Duplication.
Coding change: c.2010dup on transcript NM_203447.4 (MANE Select); coding-DNA position 2010, one base duplicated (G; older notation c.2010dupG).
Protein change: p.Leu671fs; shifts the reading frame from leucine 671.
Molecular consequence: frameshift variant.
Genome position (GRCh38, 1-based): chr9:372,187, G duplicated; the last of 2 consecutive G bases (chr9:372,186-372,187); duplicating either gives the same sequence. VCF-style (leftmost placement, unchanged base first): chr9-372185-T-TG. GRCh37 (hg19) VCF-style: chr9-372185-T-TG.
Other names: c.1806dup, p.Leu603fs (NM_001190458.2, NM_001193536.2); short protein forms L603fs, L671fs.
Identifiers: ClinVar variation 2029139 (VCV002029139.4), dbSNP rs2538296087, ClinGen allele CA2580080165.

ClinVar aggregate classification (germline): Pathogenic (1 of 4 stars; one submission).

Conditions:
Combined immunodeficiency due to DOCK8 deficiency (HIES2). Also called: HIES autosomal recessive; HYPER-IgE RECURRENT INFECTION SYNDROME 2, AUTOSOMAL RECESSIVE; HYPER-IgE SYNDROME 2, AUTOSOMAL RECESSIVE, WITH RECURRENT INFECTIONS; DOCK8 Deficiency; Hyper-IgE recurrent infection syndrome, autosomal recessive. Identifiers: Orphanet 217390, MedGen C4722305, MONDO:0009478, OMIM 243700.

Submission:

Labcorp Genetics (formerly Invitae), Labcorp
Classification: Pathogenic for Combined immunodeficiency due to DOCK8 deficiency. Last evaluated: 2022-09-05. Review status: criteria provided, single submitter. Criteria: Invitae Variant Classification Sherloc (09022015). Collection method: clinical testing. Allele origin: germline.
Comment: For these reasons, this variant has been classified as Pathogenic. This variant has not been reported in the literature in individuals affected with DOCK8-related conditions. This variant is not present in population databases (gnomAD no frequency). This sequence change creates a premature translational stop signal (p.Leu671Alafs*7) in the DOCK8 gene. It is expected to result in an absent or disrupted protein product. Loss-of-function variants in DOCK8 are known to be pathogenic (PMID: 14722525, 19776401).

Literature cited by the submitters: PubMed 14722525; PubMed 19776401.